The following is an entry in ClinVar:

NM_001457.4(FLNB):c.5274A>G (p.Gly1758=)

Gene: FLNB (filamin B; plus strand). Cytogenetic location: 3p14.3.
Variant type: single nucleotide variant.
Coding change: c.5274A>G on transcript NM_001457.4 (MANE Select); coding-DNA position 5274, A replaced by G.
Protein change: p.Gly1758=; no amino-acid change (glycine 1758 retained).
Molecular consequence: synonymous variant.
Genome position (GRCh38, 1-based): chr3:58,142,742, A>G. VCF-style: chr3-58142742-A-G. GRCh37 (hg19) VCF-style: chr3-58128469-A-G.
Other names: c.5367A>G, p.Gly1789= (NM_001164317.2); c.5241A>G, p.Gly1747= (NM_001164318.2); c.5202A>G, p.Gly1734= (NM_001164319.2); c.5274A>G (NM_001457.3).
Identifiers: ClinVar variation 2653916 (VCV002653916.26), dbSNP rs2471187411, ClinGen allele CA434041785.

ClinVar aggregate classification (germline): Conflicting classifications of pathogenicity. Review status: criteria provided, conflicting classifications (1 of 4 stars). 3 submissions from 3 submitters: Uncertain significance (1); Likely benign (1). 1 of the submissions does not count toward it. Last evaluated 2025-07-29.

Conditions:
FLNB-related disorder. Also called: FLNB-related condition; FLNB-related disorders. Identifiers: MedGen CN381095.

Allele frequency attached by ClinVar (database versions not stated): gnomAD exomes below 0.00001.
gnomAD v4.1: 2 of 1,614,036 alleles (0.00012%); highest among the groups gnomAD compares: Non-Finnish European, 0.00017%; no homozygotes.

Submissions (3):

Labcorp Genetics (formerly Invitae), Labcorp
Classification: Likely benign. Last evaluated: 2025-07-29. Review status: criteria provided, single submitter. Criteria: Invitae Variant Classification Sherloc (09022015). Collection method: clinical testing. Allele origin: germline.

CeGaT Center for Human Genetics Tuebingen
Classification: Uncertain significance. Last evaluated: 2023-09-01. Review status: criteria provided, single submitter. Criteria: CeGaT Center For Human Genetics Tuebingen Variant Classification Criteria Version 2. Collection method: clinical testing. Allele origin: germline. Affected: yes. Observed: 1 variant allele.
Comment: FLNB: PM2:Supporting, BP4

PreventionGenetics, part of Exact Sciences
Classification: Likely benign for FLNB-related condition. Last evaluated: 2019-03-29. Review status: no assertion criteria provided. Collection method: clinical testing. Allele origin: germline. Not counted in ClinVar's aggregate classification.
Comment: This variant is classified as likely benign based on ACMG/AMP sequence variant interpretation guidelines (Richards et al. 2015 PMID: 25741868, with internal and published modifications).